The following is an entry in ClinVar:

ClinVar aggregate classification (germline): Benign/Likely benign. Review status: criteria provided, multiple submitters, no conflicts (2 of 4 stars). 9 submissions from 9 submitters: Benign (7); Likely benign (2). Last evaluated 2026-01-05.

Conditions:
Hereditary retinoblastoma. Identifiers: Orphanet 357027, MedGen C0751483, MONDO:0018160.
Hereditary cancer-predisposing syndrome. Also called: Hereditary neoplastic syndrome; Hereditary Cancer Syndrome; Neoplastic Syndromes, Hereditary; Tumor predisposition. Identifiers: Orphanet 140162, MedGen C0027672, MeSH D009386, MONDO:0015356.
Retinoblastoma (RB1). Also called: RETINOBLASTOMA, SOMATIC. Identifiers: Orphanet 790, MedGen C0035335, MeSH D012175, MONDO:0008380, OMIM 180200, HP:0009919. Disease mechanism: loss of function. Inheritance: Both sporadic and heritable forms are tested..

Allele frequency attached by ClinVar (database versions not stated): gnomAD exomes 0.00222 and 0.00626; ExAC 0.00804; gnomAD 0.02399 and 0.02593; 1000 Genomes Project 0.02536; TOPMed 0.02701; 1000 Genomes Project 30x 0.02795; ESP Exome Variant Server 0.02829.
gnomAD v4.1: 7,055 of 1,612,740 alleles (0.44%); highest among the groups gnomAD compares: African/African-American, 8.2%; 265 homozygotes.

Submissions (9):

Labcorp Genetics (formerly Invitae), Labcorp
Classification: Benign for Retinoblastoma. Last evaluated: 2026-01-05. Review status: criteria provided, single submitter. Criteria: Invitae Variant Classification Sherloc (09022015). Collection method: clinical testing. Allele origin: germline.

Ramesar Group, Division of Human Genetics, Institute of Infectious Diseases and Molecular Medicine, UCT/MRC Genomic and Precision Medicine Research Unit, University of Cape Town
Classification: Benign for Hereditary retinoblastoma. Last evaluated: 2025-09-17. Review status: criteria provided, single submitter. Criteria: ACMG Guidelines, 2015. Collection method: research. Allele origin: germline. Affected: no.
Comment: BA1 - This variant is common in the general population (gnomAD), and is present in 8 individuals in our in-house control cohort (10%) BP5 - Variant found in a patient with a different retinal disease; RB1 is not associated with the phenotype BP6 - Reported as benign in ClinVar BP7 - A non-coding variant with no predicted effect on splicing (SpliceAI scores are negligible)

KCCC/NGS Laboratory, Kuwait Cancer Control Center
Classification: Benign for Retinoblastoma. Last evaluated: 2023-07-07. Review status: criteria provided, single submitter. Criteria: ACMG Guidelines, 2015. Collection method: clinical testing. Allele origin: germline. Affected: yes.

ARUP Laboratories, Molecular Genetics and Genomics, ARUP Laboratories
Classification: Benign. Last evaluated: 2023-06-15. Review status: criteria provided, single submitter. Criteria: ARUP Molecular Germline Variant Investigation Process 2024. Collection method: clinical testing. Allele origin: germline.

Sema4
Classification: Benign for Hereditary cancer-predisposing syndrome. Last evaluated: 2020-02-06. Review status: criteria provided, single submitter. Criteria: Sema4 Curation Guidelines. Collection method: curation. Allele origin: germline.

GeneDx
Classification: Benign. Last evaluated: 2018-06-23. Review status: criteria provided, single submitter. Criteria: GeneDx Variant Classification Process June 2021. Collection method: clinical testing. Allele origin: germline. Affected: yes.
Comment: This variant is associated with the following publications: (PMID: 16343894, 27884173)

Center for Pediatric Genomic Medicine, Children's Mercy Hospital and Clinics
Classification: Likely benign. Last evaluated: 2015-08-19. Review status: criteria provided, single submitter. Criteria: ACMG Guidelines, 2015. Collection method: clinical testing. Allele origin: germline.
ClinVar note: Converted during submission from Likely Benign to Likely benign.

Breakthrough Genomics
Classification: Likely benign. Review status: criteria provided, single submitter. Criteria: ACMG Guidelines, 2015. Collection method: not provided. Allele origin: germline. Inheritance: Autosomal dominant inheritance. Affected: yes.

PreventionGenetics, part of Exact Sciences
Classification: Benign. Review status: criteria provided, single submitter. Criteria: ACMG Guidelines, 2015. Collection method: clinical testing. Allele origin: germline.

NM_000321.3(RB1):c.1216-29A>G

Gene: RB1 (RB transcriptional corepressor 1; plus strand). Cytogenetic location: 13q14.2.
Variant type: single nucleotide variant.
Coding change: c.1216-29A>G on transcript NM_000321.3 (MANE Select); 29 bases into the intron before coding-DNA position 1216, A replaced by G.
Molecular consequence: intron variant.
Genome position (GRCh38, 1-based): chr13:48,376,889, A>G. VCF-style: chr13-48376889-A-G. GRCh37 (hg19) VCF-style: chr13-48951025-A-G.
Identifiers: ClinVar variation 235730 (VCV000235730.27), dbSNP rs3092886, ClinGen allele CA027882.